The following is an entry in ClinVar:

NM_000744.7(CHRNA4):c.754A>G (p.Ile252Val)

Gene: CHRNA4 (cholinergic receptor nicotinic alpha 4 subunit; minus strand). Cytogenetic location: 20q13.33.
Variant type: single nucleotide variant.
Coding change: c.754A>G on transcript NM_000744.7 (MANE Select); coding-DNA position 754, A replaced by G.
Protein change: p.Ile252Val; replaces isoleucine 252 with valine.
Molecular consequence: missense variant. On other transcripts: non-coding transcript variant (1).
Genome position (GRCh38, 1-based): chr20:63,350,657, T>C on the plus strand (A>G on the coding strand, the complement: CHRNA4 is on the minus strand). VCF-style: chr20-63350657-T-C. GRCh37 (hg19) VCF-style: chr20-61982009-T-C.
Other names: c.226A>G, p.Ile76Val (NM_001256573.2); short protein forms I252V, I76V.
Identifiers: ClinVar variation 1448869 (VCV001448869.6), dbSNP rs201865234, ClinGen allele CA317435872.

ClinVar aggregate classification (germline): Uncertain significance (1 of 4 stars; one submission).

Conditions:
Familial sleep-related hypermotor epilepsy. Also called: Autosomal Dominant Sleep-Related Hypermotor (Hyperkinetic) Epilepsy. Identifiers: Orphanet 98784, MedGen C3696898, MONDO:0000030.

Allele frequency attached by ClinVar (database versions not stated): gnomAD 0.00002.
gnomAD v4.1: 3 of 1,613,514 alleles (0.00019%); highest among the groups gnomAD compares: African/African-American, 0.004%; no homozygotes.

Submission:

Labcorp Genetics (formerly Invitae), Labcorp
Classification: Uncertain significance. Last evaluated: 2025-04-10. Review status: criteria provided, single submitter. Criteria: Invitae Variant Classification Sherloc (09022015). Collection method: clinical testing. Allele origin: germline.
Comment: This sequence change replaces isoleucine, which is neutral and non-polar, with valine, which is neutral and non-polar, at codon 252 of the CHRNA4 protein (p.Ile252Val). This variant is not present in population databases (gnomAD no frequency). This variant has not been reported in the literature in individuals affected with CHRNA4-related conditions. ClinVar contains an entry for this variant (Variation ID: 1448869). Invitae Evidence Modeling of protein sequence and biophysical properties (such as structural, functional, and spatial information, amino acid conservation, physicochemical variation, residue mobility, and thermodynamic stability) indicates that this missense variant is not expected to disrupt CHRNA4 protein function with a negative predictive value of 80%. In summary, the available evidence is currently insufficient to determine the role of this variant in disease. Therefore, it has been classified as a Variant of Uncertain Significance.